The following is an entry in ClinVar:

NM_004453.4(ETFDH):c.934T>G (p.Leu312Val)

Gene: ETFDH (electron transfer flavoprotein dehydrogenase; plus strand). Cytogenetic location: 4q32.1.
Variant type: single nucleotide variant.
Coding change: c.934T>G on transcript NM_004453.4 (MANE Select); coding-DNA position 934, T replaced by G.
Protein change: p.Leu312Val; replaces leucine 312 with valine.
Molecular consequence: missense variant.
Genome position (GRCh38, 1-based): chr4:158,697,661, T>G. VCF-style: chr4-158697661-T-G. GRCh37 (hg19) VCF-style: chr4-159618813-T-G.
Other names: c.793T>G, p.Leu265Val (NM_001281737.2); c.751T>G, p.Leu251Val (NM_001281738.1); short protein forms L251V, L312V, L265V.
Identifiers: ClinVar variation 1932231 (VCV001932231.2), dbSNP rs1243587573, ClinGen allele CA358561632.

ClinVar aggregate classification (germline): Uncertain significance (1 of 4 stars; one submission).

Conditions:
Multiple acyl-CoA dehydrogenase deficiency (MADD). Also called: Glutaric Acidemia type 2; Glutaric aciduria, type 2; Glutaric acidemia type II; GA 2; ETHYLMALONIC-ADIPICACIDURIA; GA II. Identifiers: Orphanet 26791, MedGen C0268596, MONDO:0009282, OMIM 231680.

Allele frequency attached by ClinVar (database versions not stated): gnomAD exomes below 0.00001.
gnomAD v4.1: 1 of 1,613,966 alleles (0.000062%); highest among the groups gnomAD compares: Admixed American, 0.0017%; no homozygotes.

Submission:

Labcorp Genetics (formerly Invitae), Labcorp
Classification: Uncertain significance for Multiple acyl-CoA dehydrogenase deficiency. Last evaluated: 2022-08-13. Review status: criteria provided, single submitter. Criteria: Invitae Variant Classification Sherloc (09022015). Collection method: clinical testing. Allele origin: germline.
Comment: This sequence change replaces leucine, which is neutral and non-polar, with valine, which is neutral and non-polar, at codon 312 of the ETFDH protein (p.Leu312Val). This variant is present in population databases (no rsID available, gnomAD 0.003%). This variant has not been reported in the literature in individuals affected with ETFDH-related conditions. Algorithms developed to predict the effect of missense changes on protein structure and function (SIFT, PolyPhen-2, Align-GVGD) all suggest that this variant is likely to be tolerated. In summary, the available evidence is currently insufficient to determine the role of this variant in disease. Therefore, it has been classified as a Variant of Uncertain Significance.